The following is an entry in ClinVar:

ClinVar aggregate classification (germline): Uncertain significance (1 of 4 stars; one submission).

Submission:

Labcorp Genetics (formerly Invitae), Labcorp
Classification: Uncertain significance. Last evaluated: 2025-05-04. Review status: criteria provided, single submitter. Criteria: Invitae Variant Classification Sherloc (09022015). Collection method: clinical testing. Allele origin: germline.
Comment: This sequence change replaces asparagine, which is neutral and polar, with aspartic acid, which is acidic and polar, at codon 995 of the POLA1 protein (p.Asn995Asp). This variant is not present in population databases (gnomAD no frequency). This variant has not been reported in the literature in individuals affected with POLA1-related conditions. Invitae Evidence Modeling of protein sequence and biophysical properties (such as structural, functional, and spatial information, amino acid conservation, physicochemical variation, residue mobility, and thermodynamic stability) has been performed for this missense variant. However, the output from this modeling did not meet the statistical confidence thresholds required to predict the impact of this variant on POLA1 protein function. In summary, the available evidence is currently insufficient to determine the role of this variant in disease. Therefore, it has been classified as a Variant of Uncertain Significance.

NM_001330360.2(POLA1):c.3001A>G (p.Asn1001Asp)

Gene: POLA1 (DNA polymerase alpha 1, catalytic subunit; plus strand). Cytogenetic location: Xp22.11.
Variant type: single nucleotide variant.
Coding change: c.3001A>G on transcript NM_001330360.2 (MANE Select); coding-DNA position 3001, A replaced by G.
Protein change: p.Asn1001Asp; replaces asparagine 1001 with aspartic acid.
Molecular consequence: missense variant. On other transcripts: non-coding transcript variant (2).
Genome position (GRCh38, 1-based): chrX:24,810,711, A>G. VCF-style: chrX-24810711-A-G. GRCh37 (hg19) VCF-style: chrX-24828828-A-G.
Other names: c.2926A>G, p.Asn976Asp (NM_001378303.1); c.3001A>G, p.Asn1001Asp (NM_001440806.1); c.2983A>G, p.Asn995Asp (NM_016937.4); short protein forms N995D, N1001D, N976D.
Identifiers: ClinVar variation 4693215 (VCV004693215.1).